The following is an entry in ClinVar:

ClinVar aggregate classification (germline): Uncertain significance. Review status: criteria provided, multiple submitters, no conflicts (2 of 4 stars). 3 submissions from 3 submitters: Uncertain significance (3). Last evaluated 2024-01-10.

Conditions:
Fanconi anemia complementation group L (FANCL). Also called: FANCL-Related Fanconi Anemia. Identifiers: Orphanet 84, MedGen C3469528, MONDO:0013566, OMIM 614083.

Allele frequency attached by ClinVar (database versions not stated): ExAC 0.00004; gnomAD exomes 0.00004; TOPMed 0.00008; gnomAD 0.00009 and 0.00011.
gnomAD v4.1: 117 of 1,613,902 alleles (0.0072%); highest among the groups gnomAD compares: Non-Finnish European, 0.0094%; no homozygotes.

Submissions (3):

Fulgent Genetics
Classification: Uncertain significance for Fanconi anemia complementation group L. Last evaluated: 2024-01-10. Review status: criteria provided, single submitter. Criteria: ACMG Guidelines, 2015. Collection method: clinical testing. Allele origin: germline.

Baylor Genetics
Classification: Uncertain significance for Fanconi anemia complementation group L. Last evaluated: 2018-02-14. Review status: criteria provided, single submitter. Criteria: ACMG Guidelines, 2015. Collection method: clinical testing. Allele origin: unknown. Affected: yes.
Comment: This variant was determined to be of uncertain significance according to ACMG Guidelines, 2015 [PMID:25741868].

Genetic Services Laboratory, University of Chicago
Classification: Uncertain significance. Last evaluated: 2017-08-08. Review status: criteria provided, single submitter. Criteria: ACMG Guidelines, 2015. Collection method: clinical testing. Allele origin: germline. Affected: no.

NM_018062.4(FANCL):c.-3G>C

Gene: FANCL (FA complementation group L; minus strand). Cytogenetic location: 2p16.1.
Variant type: single nucleotide variant.
Coding change: c.-3G>C on transcript NM_018062.4 (MANE Select); 3 bases upstream of the start codon, G replaced by C.
Molecular consequence: 5 prime UTR variant.
Genome position (GRCh38, 1-based): chr2:58,241,316, C>G on the plus strand (G>C on the coding strand, the complement: FANCL is on the minus strand). VCF-style: chr2-58241316-C-G. GRCh37 (hg19) VCF-style: chr2-58468451-C-G.
Other names: c.-3G>C (NM_001114636.2, NM_001374615.1, NM_001410792.1).
Identifiers: ClinVar variation 1032784 (VCV001032784.7), dbSNP rs766104531, ClinGen allele CA1670860.
Genomic context (GRCh38, chr2:58,241,316, plus strand): 5'-GGTTCTGGGGCAGAAGCAGGGGGCACTGGCGCAACAGGCTCGCTTCCGTCACCGCCATGG[C>G]TCGAAGTCCGGAGAAACACAGAAAAGCTCTAGACCTGCTGGGTCCTGCACATGCGCAGTC-3'